The following is an entry in ClinVar:

ClinVar aggregate classification (germline): Uncertain significance (1 of 4 stars; one submission).

gnomAD v4.1: 1 of 1,613,576 alleles (0.000062%); no homozygotes.

Submission:

Ambry Genetics
Classification: Uncertain significance. Last evaluated: 2022-06-01. Review status: criteria provided, single submitter. Criteria: Ambry Variant Classification Scheme 2023. Collection method: clinical testing. Allele origin: germline.
Comment: The p.N195I variant (also known as c.584A>T), located in coding exon 4 of the POLQ gene, results from an A to T substitution at nucleotide position 584. The asparagine at codon 195 is replaced by isoleucine, an amino acid with dissimilar properties. This amino acid position is conserved. In addition, the in silico prediction for this alteration is inconclusive. Since supporting evidence is limited at this time, the clinical significance of this alteration remains unclear.

NM_199420.4(POLQ):c.584A>T (p.Asn195Ile)

Gene: POLQ (DNA polymerase theta; minus strand). Cytogenetic location: 3q13.33.
Variant type: single nucleotide variant.
Coding change: c.584A>T on transcript NM_199420.4 (MANE Select); coding-DNA position 584, A replaced by T.
Protein change: p.Asn195Ile; replaces asparagine 195 with isoleucine.
Molecular consequence: missense variant.
Genome position (GRCh38, 1-based): chr3:121,539,480, T>A on the plus strand (A>T on the coding strand, the complement: POLQ is on the minus strand). VCF-style: chr3-121539480-T-A. GRCh37 (hg19) VCF-style: chr3-121258327-T-A.
Other names: short protein forms N195I.
Identifiers: ClinVar variation 1750057 (VCV001750057.2), dbSNP rs2546824514, ClinGen allele CA354091074.